The following is an entry in ClinVar:

NM_020911.2(PLXNA4):c.4819G>A (p.Ala1607Thr)

Gene: PLXNA4 (plexin A4; minus strand). Cytogenetic location: 7q32.3.
Variant type: single nucleotide variant.
Coding change: c.4819G>A on transcript NM_020911.2 (MANE Select); coding-DNA position 4819, G replaced by A.
Protein change: p.Ala1607Thr; replaces alanine 1607 with threonine.
Molecular consequence: missense variant.
Genome position (GRCh38, 1-based): chr7:132,147,945, C>T on the plus strand (G>A on the coding strand, the complement: PLXNA4 is on the minus strand). VCF-style: chr7-132147945-C-T. GRCh37 (hg19) VCF-style: chr7-131832704-C-T.
Other names: c.4819G>A, p.Ala1607Thr (NM_001393897.1); short protein forms A1607T.
Identifiers: ClinVar variation 2634396 (VCV002634396.3), dbSNP rs200233123, ClinGen allele CA4489082.

ClinVar aggregate classification (germline): Uncertain significance (0 of 4 stars; one submission).

Conditions:
PLXNA4-related disorder. Also called: PLXNA4-related condition.

Allele frequency attached by ClinVar (database versions not stated): ExAC 0.00007; gnomAD 0.00012; ESP Exome Variant Server 0.00024.

Submission:

PreventionGenetics, part of Exact Sciences
Classification: Uncertain significance for PLXNA4-related condition. Last evaluated: 2024-07-05. Review status: no assertion criteria provided. Collection method: clinical testing. Allele origin: germline.
Comment: The PLXNA4 c.4819G>A variant is predicted to result in the amino acid substitution p.Ala1607Thr. To our knowledge, this variant has not been reported in the literature. This variant is reported in 0.028% of alleles in individuals of Latino descent in gnomAD. At this time, the clinical significance of this variant is uncertain due to the absence of conclusive functional and genetic evidence.